The following is an entry in ClinVar:

NM_003073.5(SMARCB1):c.508G>A (p.Asp170Asn)

Gene: SMARCB1 (SWI/SNF related BAF chromatin remodeling complex subunit B1; plus strand). Cytogenetic location: 22q11.23.
Variant type: single nucleotide variant.
Coding change: c.508G>A on transcript NM_003073.5 (MANE Select); coding-DNA position 508, G replaced by A.
Protein change: p.Asp170Asn; replaces aspartic acid 170 with asparagine.
Molecular consequence: missense variant.
Genome position (GRCh38, 1-based): chr22:23,803,302, G>A. VCF-style: chr22-23803302-G-A. GRCh37 (hg19) VCF-style: chr22-24145489-G-A.
Other names: c.508G>A (LRG_520t1); c.481G>A, p.Asp161Asn (NM_001007468.3); c.535G>A, p.Asp179Asn (NM_001317946.2); c.562G>A, p.Asp188Asn (NM_001362877.2); short protein forms D170N, D161N, D179N, D188N.
Identifiers: ClinVar variation 565841 (VCV000565841.10), dbSNP rs1568943134, ClinGen allele CA410935435.

ClinVar aggregate classification (germline): Uncertain significance. Review status: criteria provided, multiple submitters, no conflicts (2 of 4 stars). 2 submissions from 2 submitters: Uncertain significance (2). Last evaluated 2024-10-05.

Conditions:
Hereditary cancer-predisposing syndrome. Also called: Hereditary neoplastic syndrome; Neoplastic Syndromes, Hereditary; Tumor predisposition; Hereditary Cancer Syndrome. Identifiers: Orphanet 140162, MedGen C0027672, MeSH D009386, MONDO:0015356.

Allele frequency attached by ClinVar (database versions not stated): gnomAD exomes below 0.00001.
gnomAD v4.1: 1 of 1,614,182 alleles (0.000062%); highest among the groups gnomAD compares: Non-Finnish European, 0.000085%; no homozygotes.

Submissions (2):

Ambry Genetics
Classification: Uncertain significance for Hereditary cancer-predisposing syndrome. Last evaluated: 2024-10-05. Review status: criteria provided, single submitter. Criteria: Ambry Variant Classification Scheme 2023. Collection method: clinical testing. Allele origin: germline.
Comment: The p.D170N variant (also known as c.508G>A), located in coding exon 5 of the SMARCB1 gene, results from a G to A substitution at nucleotide position 508. The aspartic acid at codon 170 is replaced by asparagine, an amino acid with highly similar properties. This amino acid position is conserved. In addition, the in silico prediction for this alteration is inconclusive. Based on the available evidence, the clinical significance of this variant remains unclear.

Labcorp Genetics (formerly Invitae), Labcorp
Classification: Uncertain significance. Last evaluated: 2018-05-30. Review status: criteria provided, single submitter. Criteria: Invitae Variant Classification Sherloc (09022015). Collection method: clinical testing. Allele origin: germline.
Comment: This variant is not present in population databases (ExAC no frequency). In summary, the available evidence is currently insufficient to determine the role of this variant in disease. Therefore, it has been classified as a Variant of Uncertain Significance. Algorithms developed to predict the effect of missense changes on protein structure and function are either unavailable or do not agree on the potential impact of this missense change (SIFT: "Tolerated"; PolyPhen-2: "Possibly Damaging"; Align-GVGD: "Class C0"). This variant has not been reported in the literature in individuals with SMARCB1-related disease. This sequence change replaces aspartic acid with asparagine at codon 170 of the SMARCB1 protein (p.Asp170Asn). The aspartic acid residue is highly conserved and there is a small physicochemical difference between aspartic acid and asparagine.